The following is an entry in ClinVar:

ClinVar aggregate classification (germline): Pathogenic (1 of 4 stars; one submission).

Conditions:
Legius syndrome. Identifiers: Orphanet 137605, MedGen C1969623, MONDO:0012669, OMIM 611431. Disease mechanism: loss of function.

Submission:

Labcorp Genetics (formerly Invitae), Labcorp
Classification: Pathogenic for Legius syndrome. Last evaluated: 2019-04-23. Review status: criteria provided, single submitter. Criteria: Invitae Variant Classification Sherloc (09022015). Collection method: clinical testing. Allele origin: germline.
Comment: A gross deletion of the genomic region encompassing the full coding sequence of the SPRED1 gene has been identified. The boundaries of this event are unknown as the deletion extends beyond the assayed region for this gene and therefore may encompass additional genes. Similar deletion has been observed in individuals affected with Legius syndrome (PMID: 22753041, 21548021). Loss-of-function variants in SPRED1 are known to be pathogenic (PMID: 17704776). For these reasons, this variant has been classified as Pathogenic.

Literature cited by the submitters: PubMed 21548021; PubMed 22753041.

NC_000015.10:g.(?_38253166)_(39021201_?)del

Genes: LINC02694 (long intergenic non-protein coding RNA 2694; plus strand), FAM98B (family with sequence similarity 98 member B; plus strand), RASGRP1 (RAS guanyl releasing protein 1; minus strand), SPRED1 (sprouty related EVH1 domain containing 1; plus strand), LOC130056790 (ATAC-STARR-seq lymphoblastoid active region 9201; plus strand) and 21 more. Cytogenetic location: 15q14.
Variant type: Deletion.
Identifiers: ClinVar variation 583432 (VCV000583432.2).